The following is an entry in ClinVar:

ClinVar aggregate classification (germline): Likely benign (0 of 4 stars; one submission).

Conditions:
PLXNA3-related disorder. Also called: PLXNA3-related condition.

gnomAD v4.1: 9 of 1,210,041 alleles (0.00074%); highest among the groups gnomAD compares: African/African-American, 0.012%; no homozygotes.

Submission:

PreventionGenetics, part of Exact Sciences
Classification: Likely benign for PLXNA3-related condition. Last evaluated: 2023-11-30. Review status: no assertion criteria provided. Collection method: clinical testing. Allele origin: germline.
Comment: This variant is classified as likely benign based on ACMG/AMP sequence variant interpretation guidelines (Richards et al. 2015 PMID: 25741868, with internal and published modifications).

NM_017514.5(PLXNA3):c.2856G>A (p.Arg952=)

Gene: PLXNA3 (plexin A3; plus strand). Cytogenetic location: Xq28.
Variant type: single nucleotide variant.
Coding change: c.2856G>A on transcript NM_017514.5 (MANE Select); coding-DNA position 2856, G replaced by A.
Protein change: p.Arg952=; no amino-acid change (arginine 952 retained).
Molecular consequence: synonymous variant.
Genome position (GRCh38, 1-based): chrX:154,466,432, G>A. VCF-style: chrX-154466432-G-A. GRCh37 (hg19) VCF-style: chrX-153694775-G-A.
Identifiers: ClinVar variation 3348773 (VCV003348773.1).
Genomic context (GRCh38, chrX:154,466,432, plus strand): 5'-GCAGACCCCAACGTTTGACCAAGTGAGTCCCAGCCGTGGCCCGGCGTCCGGGGGCACACG[G>A]CTTACCATCTCAGGCAGCTCTCTGGATGCTGGCAGCAGGGTCACAGTGACTGTGAGGGAC-3'
Protein context (NP_059984.3, residues 942-962): PSRGPASGGT[Arg952=]LTISGSSLDA